The following is an entry in ClinVar:

ClinVar aggregate classification (germline): Uncertain significance. Review status: criteria provided, multiple submitters, no conflicts (2 of 4 stars). 2 submissions from 2 submitters: Uncertain significance (2). Last evaluated 2026-05-06.

Conditions:
Hereditary cancer-predisposing syndrome. Also called: Hereditary Cancer Syndrome; Neoplastic Syndromes, Hereditary; Tumor predisposition; Hereditary neoplastic syndrome. Identifiers: Orphanet 140162, MedGen C0027672, MeSH D009386, MONDO:0015356.
Gorlin syndrome. Also called: Nevoid Basal Cell Carcinoma Syndrome; Basal cell nevus syndrome. Identifiers: Orphanet 377, MedGen C0004779, MONDO:0007187.

Submissions (2):

Ambry Genetics
Classification: Uncertain significance for Hereditary cancer-predisposing syndrome. Last evaluated: 2026-05-06. Review status: criteria provided, single submitter. Criteria: Ambry Variant Classification Scheme 2023. Collection method: clinical testing. Allele origin: germline.
Comment: The p.S574F variant (also known as c.1721C>T), located in coding exon 12 of the PTCH1 gene, results from a C to T substitution at nucleotide position 1721. The serine at codon 574 is replaced by phenylalanine, an amino acid with highly dissimilar properties. This amino acid position is highly conserved in available vertebrate species. In addition, this alteration is predicted to be deleterious by in silico analysis. Based on the available evidence, the clinical significance of this variant remains unclear.

Labcorp Genetics (formerly Invitae), Labcorp
Classification: Uncertain significance for Gorlin syndrome. Last evaluated: 2023-10-29. Review status: criteria provided, single submitter. Criteria: Invitae Variant Classification Sherloc (09022015). Collection method: clinical testing. Allele origin: germline.
Comment: This sequence change replaces serine, which is neutral and polar, with phenylalanine, which is neutral and non-polar, at codon 574 of the PTCH1 protein (p.Ser574Phe). This variant is not present in population databases (gnomAD no frequency). This variant has not been reported in the literature in individuals affected with PTCH1-related conditions. ClinVar contains an entry for this variant (Variation ID: 936509). Advanced modeling of protein sequence and biophysical properties (such as structural, functional, and spatial information, amino acid conservation, physicochemical variation, residue mobility, and thermodynamic stability) has been performed at Invitae for this missense variant, however the output from this modeling did not meet the statistical confidence thresholds required to predict the impact of this variant on PTCH1 protein function. In summary, the available evidence is currently insufficient to determine the role of this variant in disease. Therefore, it has been classified as a Variant of Uncertain Significance.

NM_000264.5(PTCH1):c.1721C>T (p.Ser574Phe)

Gene: PTCH1 (patched 1; minus strand). Cytogenetic location: 9q22.32.
Variant type: single nucleotide variant.
Coding change: c.1721C>T on transcript NM_000264.5 (MANE Select); coding-DNA position 1721, C replaced by T.
Protein change: p.Ser574Phe; replaces serine 574 with phenylalanine.
Molecular consequence: missense variant. On other transcripts: non-coding transcript variant (1).
Genome position (GRCh38, 1-based): chr9:95,476,041, G>A on the plus strand (C>T on the coding strand, the complement: PTCH1 is on the minus strand). VCF-style: chr9-95476041-G-A. GRCh37 (hg19) VCF-style: chr9-98238323-G-A.
Other names: c.1523C>T, p.Ser508Phe (NM_001083602.3); c.1718C>T, p.Ser573Phe (NM_001083603.3); c.1268C>T, p.Ser423Phe (NM_001083604.3, NM_001083605.3, NM_001083606.3 and 1 more transcripts); c.1565C>T, p.Ser522Phe (NM_001354918.2); short protein forms S423F, S573F, S574F, S508F, S522F.
Identifiers: ClinVar variation 936509 (VCV000936509.13), dbSNP rs1841002219, ClinGen allele CA374117885.